The following is an entry in ClinVar:

NM_004750.5(CRLF1):c.650T>A (p.Leu217Gln)

Gene: CRLF1 (cytokine receptor like factor 1; minus strand). Cytogenetic location: 19p13.11.
Variant type: single nucleotide variant.
Coding change: c.650T>A on transcript NM_004750.5 (MANE Select); coding-DNA position 650, T replaced by A.
Protein change: p.Leu217Gln; replaces leucine 217 with glutamine.
Molecular consequence: missense variant.
Genome position (GRCh38, 1-based): chr19:18,598,479, A>T on the plus strand (T>A on the coding strand, the complement: CRLF1 is on the minus strand). VCF-style: chr19-18598479-A-T. GRCh37 (hg19) VCF-style: chr19-18709289-A-T.
Other names: short protein forms L217Q.
Identifiers: ClinVar variation 2017138 (VCV002017138.4), dbSNP rs758874639, ClinGen allele CA9314173.

ClinVar aggregate classification (germline): Uncertain significance (1 of 4 stars; one submission).

Allele frequency attached by ClinVar (database versions not stated): ExAC 0.00001.

Submission:

Labcorp Genetics (formerly Invitae), Labcorp
Classification: Uncertain significance. Last evaluated: 2022-07-14. Review status: criteria provided, single submitter. Criteria: Invitae Variant Classification Sherloc (09022015). Collection method: clinical testing. Allele origin: germline.
Comment: In summary, the available evidence is currently insufficient to determine the role of this variant in disease. Therefore, it has been classified as a Variant of Uncertain Significance. Algorithms developed to predict the effect of missense changes on protein structure and function (SIFT, PolyPhen-2, Align-GVGD) all suggest that this variant is likely to be disruptive. This variant has not been reported in the literature in individuals affected with CRLF1-related conditions. This variant is present in population databases (rs758874639, gnomAD 0.0009%). This sequence change replaces leucine, which is neutral and non-polar, with glutamine, which is neutral and polar, at codon 217 of the CRLF1 protein (p.Leu217Gln).